The following is an entry in ClinVar:

ClinVar aggregate classification (germline): Uncertain significance (1 of 4 stars; one submission).

Submission:

Labcorp Genetics (formerly Invitae), Labcorp
Classification: Uncertain significance. Last evaluated: 2025-06-08. Review status: criteria provided, single submitter. Criteria: Invitae Variant Classification Sherloc (09022015). Collection method: clinical testing. Allele origin: germline.
Comment: This sequence change replaces lysine, which is basic and polar, with asparagine, which is neutral and polar, at codon 101 of the ERBIN protein (p.Lys101Asn). This variant is not present in population databases (gnomAD no frequency). This variant has not been reported in the literature in individuals affected with ERBIN-related conditions. An algorithm developed to predict the effect of missense changes on protein structure and function (PolyPhen-2) suggests that this variant is likely to be disruptive. In summary, the available evidence is currently insufficient to determine the role of this variant in disease. Therefore, it has been classified as a Variant of Uncertain Significance.

NM_001253697.2(ERBIN):c.303G>T (p.Lys101Asn)

Gene: ERBIN (erbb2 interacting protein; plus strand). Cytogenetic location: 5q12.3.
Variant type: single nucleotide variant.
Coding change: c.303G>T on transcript NM_001253697.2 (MANE Select); coding-DNA position 303, G replaced by T.
Protein change: p.Lys101Asn; replaces lysine 101 with asparagine.
Molecular consequence: missense variant.
Genome position (GRCh38, 1-based): chr5:65,994,860, G>T. VCF-style: chr5-65994860-G-T. GRCh37 (hg19) VCF-style: chr5-65290688-G-T.
Other names: c.303G>T, p.Lys101Asn (NM_001006600.3, NM_001253698.2, NM_001253699.2 and 2 more transcripts); short protein forms K101N.
Identifiers: ClinVar variation 4720986 (VCV004720986.1).